The following is an entry in ClinVar:

NM_000038.6(APC):c.7627A>T (p.Arg2543Trp)

Gene: APC (APC regulator of Wnt signaling pathway; plus strand). Cytogenetic location: 5q22.2.
Variant type: single nucleotide variant.
Coding change: c.7627A>T on transcript NM_000038.6 (MANE Select); coding-DNA position 7627, A replaced by T.
Protein change: p.Arg2543Trp; replaces arginine 2543 with tryptophan.
Molecular consequence: missense variant. On other transcripts: non-coding transcript variant (2).
Genome position (GRCh38, 1-based): chr5:112,843,221, A>T. VCF-style: chr5-112843221-A-T. GRCh37 (hg19) VCF-style: chr5-112178918-A-T.
Other names: c.7450A>T, p.Arg2484Trp (NM_001354901.2, NM_001407453.1); c.7354A>T, p.Arg2452Trp (NM_001354902.2); c.7324A>T, p.Arg2442Trp (NM_001354903.2, NM_001407458.1, NM_001407459.1 and 1 more transcripts); c.7249A>T, p.Arg2417Trp (NM_001354904.2); c.7147A>T, p.Arg2383Trp (NM_001354905.2); c.7681A>T, p.Arg2561Trp (NM_001407448.1, NM_001407449.1, NM_001407447.1 and 1 more transcripts); c.6778A>T, p.Arg2260Trp (NM_001354906.2, NM_001407470.1); c.7711A>T, p.Arg2571Trp (NM_001407446.1); and 11 more; short protein forms R2442W, R2460W, R2515W, R2536W, R2414W, R2452W, R2502W, R2553W.
Identifiers: ClinVar variation 3412299 (VCV003412299.1).

ClinVar aggregate classification (germline): Uncertain significance (1 of 4 stars; one submission).

Conditions:
Hereditary cancer-predisposing syndrome. Also called: Neoplastic Syndromes, Hereditary; Tumor predisposition; Hereditary Cancer Syndrome; Hereditary neoplastic syndrome. Identifiers: Orphanet 140162, MedGen C0027672, MeSH D009386, MONDO:0015356.

Submission:

Ambry Genetics
Classification: Uncertain significance for Hereditary cancer-predisposing syndrome. Last evaluated: 2024-11-15. Review status: criteria provided, single submitter. Criteria: Ambry Variant Classification Scheme 2023. Collection method: clinical testing. Allele origin: germline.
Comment: The p.R2543W variant (also known as c.7627A>T), located in coding exon 15 of the APC gene, results from an A to T substitution at nucleotide position 7627. The arginine at codon 2543 is replaced by tryptophan, an amino acid with dissimilar properties. This amino acid position is conserved. In addition, in silico predictors for this gene do not accurately predict pathogenicity. Based on the available evidence, the clinical significance of this variant remains unclear.